The following is an entry in ClinVar:

NM_003200.5(TCF3):c.313C>T (p.Arg105Trp)

Gene: TCF3 (transcription factor 3; minus strand). Cytogenetic location: 19p13.3.
Variant type: single nucleotide variant.
Coding change: c.313C>T on transcript NM_003200.5 (MANE Select); coding-DNA position 313, C replaced by T.
Protein change: p.Arg105Trp; replaces arginine 105 with tryptophan.
Molecular consequence: missense variant.
Genome position (GRCh38, 1-based): chr19:1,627,412, G>A on the plus strand (C>T on the coding strand, the complement: TCF3 is on the minus strand). VCF-style: chr19-1627412-G-A. GRCh37 (hg19) VCF-style: chr19-1627411-G-A.
Other names: c.313C>T, p.Arg105Trp (NM_001136139.4, NM_001351778.2, NM_001351779.2); short protein forms R105W.
Identifiers: ClinVar variation 2600343 (VCV002600343.5), dbSNP rs377688933, ClinGen allele CA9050459.
Genomic context (GRCh38, chr19:1,627,412, plus strand): 5'-CCCTCACCTGAGTCAGGCCGCCCACGCCTGCGTCTCTCCCGAAGGAGGCATAGGCGCCCC[G>A]CTCACCGCTCTTGCCTGCAAGGGGAGAAGGAAGGTTAGTGGGAGGCGACCCCAAGGAACA-3'
Protein context (NP_003191.1, residues 95-115): GPGLGGKSGE[Arg105Trp]GAYASFGRDA

ClinVar aggregate classification (germline): Uncertain significance. Review status: criteria provided, multiple submitters, no conflicts (2 of 4 stars). 2 submissions from 2 submitters: Uncertain significance (2). Last evaluated 2024-04-25.

Conditions:
Inborn genetic diseases. Identifiers: MedGen C0950123, MeSH D030342.

Allele frequency attached by ClinVar (database versions not stated): TOPMed below 0.00001; gnomAD 0.00002; ExAC 0.00003; ESP Exome Variant Server 0.00008.
gnomAD v4.1: 12 of 1,611,836 alleles (0.00074%); highest among the groups gnomAD compares: South Asian, 0.0011%; no homozygotes.

Submissions (2):

Labcorp Genetics (formerly Invitae), Labcorp
Classification: Uncertain significance. Last evaluated: 2024-04-25. Review status: criteria provided, single submitter. Criteria: Invitae Variant Classification Sherloc (09022015). Collection method: clinical testing. Allele origin: germline.
Comment: This sequence change replaces arginine, which is basic and polar, with tryptophan, which is neutral and slightly polar, at codon 105 of the TCF3 protein (p.Arg105Trp). This variant is present in population databases (rs377688933, gnomAD 0.004%). This variant has not been reported in the literature in individuals affected with TCF3-related conditions. ClinVar contains an entry for this variant (Variation ID: 2600343). Advanced modeling of protein sequence and biophysical properties (such as structural, functional, and spatial information, amino acid conservation, physicochemical variation, residue mobility, and thermodynamic stability) performed at Invitae indicates that this missense variant is expected to disrupt TCF3 protein function with a positive predictive value of 80%. In summary, the available evidence is currently insufficient to determine the role of this variant in disease. Therefore, it has been classified as a Variant of Uncertain Significance.

Ambry Genetics
Classification: Uncertain significance for Inborn genetic diseases. Last evaluated: 2023-08-28. Review status: criteria provided, single submitter. Criteria: Ambry Variant Classification Scheme 2023. Collection method: clinical testing. Allele origin: germline.